The following is an entry in ClinVar:

NM_133497.4(KCNV2):c.638G>T (p.Arg213Leu)

Gene: KCNV2 (potassium voltage-gated channel modifier subfamily V member 2; plus strand). Cytogenetic location: 9p24.2.
Variant type: single nucleotide variant.
Coding change: c.638G>T on transcript NM_133497.4 (MANE Select); coding-DNA position 638, G replaced by T.
Protein change: p.Arg213Leu; replaces arginine 213 with leucine.
Molecular consequence: missense variant.
Genome position (GRCh38, 1-based): chr9:2,718,377, G>T. VCF-style: chr9-2718377-G-T. GRCh37 (hg19) VCF-style: chr9-2718377-G-T.
Other names: short protein forms R213L.
Identifiers: ClinVar variation 2049740 (VCV002049740.4), dbSNP rs776807664, ClinGen allele CA372798585.

ClinVar aggregate classification (germline): Uncertain significance (1 of 4 stars; one submission).

Submission:

Labcorp Genetics (formerly Invitae), Labcorp
Classification: Uncertain significance. Last evaluated: 2022-06-24. Review status: criteria provided, single submitter. Criteria: Invitae Variant Classification Sherloc (09022015). Collection method: clinical testing. Allele origin: germline.
Comment: In summary, the available evidence is currently insufficient to determine the role of this variant in disease. Therefore, it has been classified as a Variant of Uncertain Significance. Advanced modeling of protein sequence and biophysical properties (such as structural, functional, and spatial information, amino acid conservation, physicochemical variation, residue mobility, and thermodynamic stability) performed at Invitae indicates that this missense variant is not expected to disrupt KCNV2 protein function. This variant has not been reported in the literature in individuals affected with KCNV2-related conditions. The frequency data for this variant in the population databases is considered unreliable, as metrics indicate poor data quality at this position in the gnomAD database. This sequence change replaces arginine, which is basic and polar, with leucine, which is neutral and non-polar, at codon 213 of the KCNV2 protein (p.Arg213Leu).